The following is an entry in ClinVar:

ClinVar aggregate classification (germline): Benign/Likely benign. Review status: criteria provided, multiple submitters, no conflicts (2 of 4 stars). 2 submissions from 2 submitters: Benign (1); Likely benign (1). Last evaluated 2025-12-25.

Conditions:
Familial adenomatous polyposis 1 (FAP1). Also called: FAMILIAL ADENOMATOUS POLYPOSIS 1, ATTENUATED; POLYPOSIS, ADENOMATOUS INTESTINAL. Identifiers: MedGen C2713442, MONDO:0021056, OMIM 175100. Disease mechanism: loss of function.

Allele frequency attached by ClinVar (database versions not stated): gnomAD exomes below 0.00001.
gnomAD v4.1: 2 of 1,614,074 alleles (0.00012%); highest among the groups gnomAD compares: East Asian, 0.0022%; no homozygotes.

Submissions (2):

Labcorp Genetics (formerly Invitae), Labcorp
Classification: Likely benign for Familial adenomatous polyposis 1. Last evaluated: 2025-12-25. Review status: criteria provided, single submitter. Criteria: Invitae Variant Classification Sherloc (09022015). Collection method: clinical testing. Allele origin: germline.

Myriad Genetics, Inc.
Classification: Benign for Familial adenomatous polyposis 1. Last evaluated: 2024-02-29. Review status: criteria provided, single submitter. Criteria: Myriad Autosomal Dominant, Autosomal Recessive and X-Linked Classification Criteria (2023). Collection method: clinical testing. Allele origin: unknown.
Comment: This variant is considered benign. This variant is a silent/synonymous amino acid change and it is not expected to impact splicing.

NM_000038.6(APC):c.1053A>G (p.Gly351=)

Gene: APC (APC regulator of Wnt signaling pathway; plus strand). Cytogenetic location: 5q22.2.
Variant type: single nucleotide variant.
Coding change: c.1053A>G on transcript NM_000038.6 (MANE Select); coding-DNA position 1053, A replaced by G.
Protein change: p.Gly351=; no amino-acid change (glycine 351 retained).
Molecular consequence: synonymous variant. On other transcripts: intron variant (4).
Genome position (GRCh38, 1-based): chr5:112,819,085, A>G. VCF-style: chr5-112819085-A-G. GRCh37 (hg19) VCF-style: chr5-112154782-A-G.
Other names: c.1053A>G, p.Gly351= (NM_001127510.3, NM_001354895.2, NM_001354896.2); c.999A>G, p.Gly333= (NM_001127511.3); c.1083A>G, p.Gly361= (NM_001354897.2); c.978A>G, p.Gly326= (NM_001354898.2); c.969A>G, p.Gly323= (NM_001354899.2); c.876A>G, p.Gly292= (NM_001354900.2, NM_001354901.2); c.204A>G, p.Gly68= (NM_001354906.2); c.964-184A>G (NM_001354902.2); and 3 more.
Identifiers: ClinVar variation 1132162 (VCV001132162.11), dbSNP rs1561541012, ClinGen allele CA445755807.
Genomic context (GRCh38, chr5:112,819,085, plus strand): 5'-GCGAACTTTGCTAGCTATGTCTAGCTCCCAAGACAGCTGTATATCCATGCGACAGTCTGG[A>G]TGTCTTCCTCTCCTCATCCAGCTTTTACATGGCAATGACAAAGACTCTGTATTGTTGGGA-3'
Protein context (NP_000029.2, residues 341-361): QDSCISMRQS[Gly351=]CLPLLIQLLH